The following is an entry in ClinVar:

NM_005120.3(MED12):c.122_148del (p.Val41_Pro49del)

Gene: MED12 (mediator complex subunit 12; plus strand). Cytogenetic location: Xq13.1.
Variant type: Deletion.
Coding change: c.122_148del on transcript NM_005120.3 (MANE Select); coding-DNA positions 122 to 148, 27 bases deleted (TAAAACAAGGTTTCAATAACCAGCCTG).
Protein change: p.Val41_Pro49del.
Molecular consequence: inframe deletion.
Genome position (GRCh38, 1-based): chrX:71,119,395-71,119,421, TAAAACAAGGTTTCAATAACCAGCCTG deleted; deleting any 27 consecutive bases within chrX:71,119,393-71,119,421 gives the same sequence; the c. name uses the placement nearest the transcript's 3' end. VCF-style (leftmost placement, unchanged base first): chrX-71119392-ATGTAAAACAAGGTTTCAATAACCAGCC-A. GRCh37 (hg19) VCF-style: chrX-70339242-ATGTAAAACAAGGTTTCAATAACCAGCC-A.
Identifiers: ClinVar variation 92209 (VCV000092209.2), dbSNP rs199469686, ClinGen allele CA145547.
Genomic context (GRCh38, chrX:71,119,392, plus strand): 5'-CCCTAAGGAAAAAACAACTAAACGCCGCTTTCCTGCCTCAGGATGAACTGACGGCCTTGA[ATGTAAAACAAGGTTTCAATAACCAGCC>A]TGCTGTCTCTGGGGATGAGCATGGCAGTGCCAAGAACGTCAGCTTCAATCCTGCCAAGGT-3'

ClinVar aggregate classification (germline): not provided (0 of 4 stars; one submission).

Conditions:
Uterine leiomyoma (UL). Also called: Uterine corpus leiomyoma. Identifiers: MedGen C0042133, MONDO:0007886, OMIM 150699, HP:0000131.

Submission:

Rajkovic Lab, University of Pittsburgh
No classification provided. Condition: Leiomyoma, uterine. Review status: no classification provided. Collection method: not provided. Allele origin: somatic.
ClinVar note: Converted during submission from Associated with leiomyomas to not provided.